The following is an entry in ClinVar:

ClinVar aggregate classification (germline): Pathogenic (1 of 4 stars; one submission).

gnomAD v4.1: 13 of 1,612,600 alleles (0.00081%); highest among the groups gnomAD compares: South Asian, 0.014%; no homozygotes.

Submission:

Labcorp Genetics (formerly Invitae), Labcorp
Classification: Pathogenic. Last evaluated: 2025-02-06. Review status: criteria provided, single submitter. Criteria: Invitae Variant Classification Sherloc (09022015). Collection method: clinical testing. Allele origin: germline.
Comment: This sequence change creates a premature translational stop signal (p.Trp298*) in the QRSL1 gene. It is expected to result in an absent or disrupted protein product. Loss-of-function variants in QRSL1 are known to be pathogenic (PMID: 26741492, 29440775). This variant is present in population databases (rs781490163, gnomAD 0.02%). This variant has not been reported in the literature in individuals affected with QRSL1-related conditions. Algorithms developed to predict the effect of sequence changes on RNA splicing suggest that this variant may disrupt the consensus splice site. For these reasons, this variant has been classified as Pathogenic.

Literature cited by the submitters: PubMed 26741492; PubMed 29440775.

NM_018292.5(QRSL1):c.893G>A (p.Trp298Ter)

Gene: QRSL1 (glutaminyl-tRNA amidotransferase subunit QRSL1; plus strand). Cytogenetic location: 6q21.
Variant type: single nucleotide variant.
Coding change: c.893G>A on transcript NM_018292.5 (MANE Select); coding-DNA position 893, G replaced by A.
Protein change: p.Trp298Ter; replaces tryptophan 298 with a stop codon.
Molecular consequence: nonsense.
Genome position (GRCh38, 1-based): chr6:106,654,773, G>A. VCF-style: chr6-106654773-G-A. GRCh37 (hg19) VCF-style: chr6-107102648-G-A.
Other names: short protein forms W298*.
Identifiers: ClinVar variation 4774925 (VCV004774925.1).